The following is an entry in ClinVar:

NM_133433.4(NIPBL):c.8294C>T (p.Thr2765Ile)

Gene: NIPBL (NIPBL cohesin loading factor; plus strand). Cytogenetic location: 5p13.2.
Variant type: single nucleotide variant.
Coding change: c.8294C>T on transcript NM_133433.4 (MANE Select); coding-DNA position 8294, C replaced by T.
Protein change: p.Thr2765Ile; replaces threonine 2765 with isoleucine.
Molecular consequence: missense variant. On other transcripts: 3 prime UTR variant (1).
Genome position (GRCh38, 1-based): chr5:37,064,771, C>T. VCF-style: chr5-37064771-C-T. GRCh37 (hg19) VCF-style: chr5-37064873-C-T.
Other names: c.*748C>T (NM_015384.5); c.8294C>T (NM_133433.3); short protein forms T2765I.
Identifiers: ClinVar variation 2155407 (VCV002155407.5), dbSNP rs1306011126, ClinGen allele CA359522994.

ClinVar aggregate classification (germline): Uncertain significance. Review status: criteria provided, multiple submitters, no conflicts (2 of 4 stars). 2 submissions from 2 submitters: Uncertain significance (2). Last evaluated 2025-12-02.

Conditions:
Cornelia de Lange syndrome 1 (CDLS1). Also called: TYPUS DEGENERATIVUS AMSTELODAMENSIS; Brachmann de Lange syndrome; NIPBL-Related Cornelia de Lange Syndrome. Identifiers: Orphanet 199, MedGen C4551851, MONDO:0007387, OMIM 122470.
Inborn genetic diseases. Identifiers: MedGen C0950123, MeSH D030342.

Allele frequency attached by ClinVar (database versions not stated): gnomAD 0.00001.
gnomAD v4.1: 1 of 1,614,032 alleles (0.000062%); highest among the groups gnomAD compares: Admixed American, 0.0017%; no homozygotes.

Submissions (2):

Ambry Genetics
Classification: Uncertain significance for Inborn genetic diseases. Last evaluated: 2025-12-02. Review status: criteria provided, single submitter. Criteria: Ambry Variant Classification Scheme 2023. Collection method: clinical testing. Allele origin: germline.

Labcorp Genetics (formerly Invitae), Labcorp
Classification: Uncertain significance for Cornelia de Lange syndrome 1. Last evaluated: 2025-11-17. Review status: criteria provided, single submitter. Criteria: Invitae Variant Classification Sherloc (09022015). Collection method: clinical testing. Allele origin: germline.
Comment: This sequence change replaces threonine, which is neutral and polar, with isoleucine, which is neutral and non-polar, at codon 2765 of the NIPBL protein (p.Thr2765Ile). This variant is present in population databases (no rsID available, gnomAD 0.1%). This variant has not been reported in the literature in individuals affected with NIPBL-related conditions. ClinVar contains an entry for this variant (Variation ID: 2155407). Invitae Evidence Modeling of protein sequence and biophysical properties (such as structural, functional, and spatial information, amino acid conservation, physicochemical variation, residue mobility, and thermodynamic stability) has been performed for this missense variant. However, the output from this modeling did not meet the statistical confidence thresholds required to predict the impact of this variant on NIPBL protein function. In summary, the available evidence is currently insufficient to determine the role of this variant in disease. Therefore, it has been classified as a Variant of Uncertain Significance.